The following is an entry in ClinVar:

NM_001276345.2(TNNT2):c.163+5G>A

Gene: TNNT2 (troponin T2, cardiac type; minus strand). Cytogenetic location: 1q32.1.
Variant type: single nucleotide variant.
Coding change: c.163+5G>A on transcript NM_001276345.2 (MANE Select); 5 bases into the intron after coding-DNA position 163, G replaced by A.
Molecular consequence: intron variant.
Genome position (GRCh38, 1-based): chr1:201,368,157, C>T on the plus strand (G>A on the coding strand, the complement: TNNT2 is on the minus strand). VCF-style: chr1-201368157-C-T. GRCh37 (hg19) VCF-style: chr1-201337285-C-T.
Other names: c.118+5G>A (NM_001001432.3); c.133+5G>A (NM_001001431.3, NM_001001430.3, NM_001276347.2); c.163+5G>A (NM_001276346.2, NM_000364.4).
Identifiers: ClinVar variation 177643 (VCV000177643.10), dbSNP rs727504254, ClinGen allele CA004091.

ClinVar aggregate classification (germline): Uncertain significance. Review status: criteria provided, single submitter (1 of 4 stars). 2 submissions from 2 submitters: Uncertain significance (1). 1 of the submissions does not count toward it. Last evaluated 2018-03-30.

Conditions:
Dilated cardiomyopathy 1D. Identifiers: Orphanet 154, Orphanet 54260, MedGen C1832243, MONDO:0011095, OMIM 601494.
Cardiomyopathy, familial restrictive, 3. Identifiers: Orphanet 75249, MedGen C2676271, MONDO:0012900, OMIM 612422.
Hypertrophic cardiomyopathy 2. Also called: TNNT2-Related Familial Hypertrophic Cardiomyopathy. Identifiers: MedGen C1861864, MONDO:0007266, OMIM 115195.

gnomAD v4.1: 1 of 1,614,138 alleles (0.000062%); highest among the groups gnomAD compares: Middle Eastern, 0.016%; no homozygotes.

Submissions (2):

Labcorp Genetics (formerly Invitae), Labcorp
Classification: Uncertain significance for Cardiomyopathy, familial restrictive, 3; Hypertrophic cardiomyopathy 2; Dilated cardiomyopathy 1D. Last evaluated: 2018-03-30. Review status: criteria provided, single submitter. Criteria: Invitae Variant Classification Sherloc (09022015). Collection method: clinical testing. Allele origin: germline.
Comment: In summary, the available evidence is currently insufficient to determine the role of this variant in disease. Therefore, it has been classified as a Variant of Uncertain Significance. Nucleotide substitutions within the consensus splice site are a relatively common cause of aberrant splicing (PMID: 17576681, 9536098). Algorithms developed to predict the effect of sequence changes on RNA splicing suggest that this variant may disrupt the consensus splice site, but this prediction has not been confirmed by published transcriptional studies. This variant has not been reported in the literature in individuals with TNNT2-related disease. ClinVar contains an entry for this variant (Variation ID: 177643). This variant is not present in population databases (ExAC no frequency). This sequence change falls in intron 5 of the TNNT2 gene. It does not directly change the encoded amino acid sequence of the TNNT2 protein, but it affects a nucleotide within the consensus splice site of the intron.

Laboratory for Molecular Medicine, Mass General Brigham Personalized Medicine
Classification: Uncertain significance. Last evaluated: 2008-03-01. Review status: no assertion criteria provided. Collection method: clinical testing. Allele origin: germline. Observed: 1 variant allele. Not counted in ClinVar's aggregate classification.
Comment: proposed classification - variant undergoing re-assessment, contact laboratory

Literature cited by the submitters: PubMed 17576681 (cited by Labcorp Genetics (formerly Invitae), Labcorp); PubMed 9536098 (cited by Labcorp Genetics (formerly Invitae), Labcorp).